The following is an entry in ClinVar:

ClinVar aggregate classification (germline): Uncertain significance (1 of 4 stars; one submission).

Conditions:
Dyskeratosis congenita. Identifiers: Orphanet 1775, MedGen C0265965, MONDO:0015780.

Allele frequency attached by ClinVar (database versions not stated): ExAC 0.00001; gnomAD exomes 0.00001.
gnomAD v4.1: 3 of 1,614,026 alleles (0.00019%); highest among the groups gnomAD compares: Non-Finnish European, 0.00025%; no homozygotes.

Submission:

Labcorp Genetics (formerly Invitae), Labcorp
Classification: Uncertain significance for Dyskeratosis congenita. Last evaluated: 2022-10-27. Review status: criteria provided, single submitter. Criteria: Invitae Variant Classification Sherloc (09022015). Collection method: clinical testing. Allele origin: germline.
Comment: In summary, the available evidence is currently insufficient to determine the role of this variant in disease. Therefore, it has been classified as a Variant of Uncertain Significance. Advanced modeling of protein sequence and biophysical properties (such as structural, functional, and spatial information, amino acid conservation, physicochemical variation, residue mobility, and thermodynamic stability) performed at Invitae indicates that this missense variant is not expected to disrupt CTC1 protein function. This variant has not been reported in the literature in individuals affected with CTC1-related conditions. This variant is present in population databases (rs778463813, gnomAD 0.0009%). This sequence change replaces arginine, which is basic and polar, with lysine, which is basic and polar, at codon 926 of the CTC1 protein (p.Arg926Lys).

NM_025099.6(CTC1):c.2777G>A (p.Arg926Lys)

Gene: CTC1 (CST telomere replication complex component 1; minus strand). Cytogenetic location: 17p13.1.
Variant type: single nucleotide variant.
Coding change: c.2777G>A on transcript NM_025099.6 (MANE Select); coding-DNA position 2777, G replaced by A.
Protein change: p.Arg926Lys; replaces arginine 926 with lysine.
Molecular consequence: missense variant. On other transcripts: non-coding transcript variant (1).
Genome position (GRCh38, 1-based): chr17:8,230,450, C>T on the plus strand (G>A on the coding strand, the complement: CTC1 is on the minus strand). VCF-style: chr17-8230450-C-T. GRCh37 (hg19) VCF-style: chr17-8133768-C-T.
Other names: c.2777G>A, p.Arg926Lys (NM_001411067.1); short protein forms R926K.
Identifiers: ClinVar variation 2709417 (VCV002709417.3), dbSNP rs778463813, ClinGen allele CA8371969.